The following is an entry in ClinVar:

ClinVar aggregate classification (germline): Likely pathogenic (1 of 4 stars; one submission).

Conditions:
Retinitis pigmentosa 25 (RP25). Identifiers: Orphanet 791, MedGen C1864446, MONDO:0011272, OMIM 602772.

Submission:

Natera, Inc.
Classification: Likely pathogenic for Retinitis pigmentosa type 25. Last evaluated: 2024-08-14. Review status: criteria provided, single submitter. Criteria: Natera Variant Classification Schema (03/2026). Collection method: clinical testing. Allele origin: germline.
Comment: The c.6609_6612del variant in EYS is a frameshift variant predicted to shift the reading frame beginning at codon 2203 and leads to a stop codon 20 codons downstream. This variant is expected to result in nonsense mediated decay, truncation, or a dysfunctional protein product. This variant is rare in the general population with a frequency below the threshold expected for the associated phenotype(s). Given the available evidence, this variant is classified as Likely Pathogenic.

NM_001142800.2(EYS):c.6609_6612del (p.Leu2203fs)

Gene: EYS (EGF-like photoreceptor maintenance factor; minus strand). Cytogenetic location: 6q12.
Variant type: Microsatellite.
Coding change: c.6609_6612del on transcript NM_001142800.2 (MANE Select); coding-DNA positions 6609 to 6612, 4 bases deleted (ATTT; older notation c.6609_6612delATTT).
Protein change: p.Leu2203fs; shifts the reading frame from leucine 2203.
Molecular consequence: frameshift variant.
Genome position (GRCh38, 1-based): chr6:64,066,451-64,066,454, AAAT deleted on the plus strand (ATTT on the coding strand, the reverse complement: EYS is on the minus strand); deleting any 4 consecutive bases within chr6:64,066,451-64,066,458 gives the same sequence; the c. name uses the placement nearest the transcript's 3' end. VCF-style (leftmost placement, unchanged base first): chr6-64066450-GAAAT-G. GRCh37 (hg19) VCF-style: chr6-64776343-GAAAT-G.
Other names: c.6609_6612del, p.Leu2203fs (NM_001292009.2); short protein forms L2203fs.
Identifiers: ClinVar variation 4814654 (VCV004814654.1).